The following is an entry in ClinVar:

ClinVar aggregate classification (germline): Uncertain significance. Review status: criteria provided, multiple submitters, no conflicts (2 of 4 stars). 6 submissions from 6 submitters: Uncertain significance (6). Last evaluated 2026-01-08.

Conditions:
Cardiovascular phenotype. Identifiers: MedGen CN230736.
Cardiomyopathy (CMYO). Also called: Cardiomyopathies. Identifiers: Orphanet 167848, MedGen C0878544, MONDO:0004994, HP:0001638. Inheritance: Various modes of inheritance.
Arrhythmogenic right ventricular dysplasia 5. Also called: ARRHYTHMOGENIC RIGHT VENTRICULAR DYSPLASIA, FAMILIAL, 5; Arrhythmogenic Right Ventricular Dysplasia/Cardiomyopathy 5. Identifiers: MedGen C1858379, MONDO:0011459, OMIM 604400.

Allele frequency attached by ClinVar (database versions not stated): ExAC 0.00001; gnomAD 0.00001; gnomAD exomes 0.00001; TOPMed 0.00001.
gnomAD v4.1: 13 of 1,614,166 alleles (0.00081%); highest among the groups gnomAD compares: East Asian, 0.013%; no homozygotes.

Submissions (6):

Labcorp Genetics (formerly Invitae), Labcorp
Classification: Uncertain significance for Arrhythmogenic right ventricular dysplasia 5. Last evaluated: 2026-01-08. Review status: criteria provided, single submitter. Criteria: Invitae Variant Classification Sherloc (09022015). Collection method: clinical testing. Allele origin: germline.
Comment: This sequence change replaces valine, which is neutral and non-polar, with methionine, which is neutral and non-polar, at codon 364 of the TMEM43 protein (p.Val364Met). This variant is present in population databases (rs754236206, gnomAD 0.007%). This variant has not been reported in the literature in individuals affected with TMEM43-related conditions. ClinVar contains an entry for this variant (Variation ID: 191785). Invitae Evidence Modeling of protein sequence and biophysical properties (such as structural, functional, and spatial information, amino acid conservation, physicochemical variation, residue mobility, and thermodynamic stability) indicates that this missense variant is not expected to disrupt TMEM43 protein function with a negative predictive value of 80%. In summary, the available evidence is currently insufficient to determine the role of this variant in disease. Therefore, it has been classified as a Variant of Uncertain Significance.

Revvity Omics, Revvity
Classification: Uncertain significance. Last evaluated: 2024-10-28. Review status: criteria provided, single submitter. Criteria: ACMG Guidelines, 2015. Collection method: clinical testing. Allele origin: germline.

All of Us Research Program, National Institutes of Health
Classification: Uncertain significance for Arrhythmogenic right ventricular dysplasia 5. Last evaluated: 2024-02-05. Review status: criteria provided, single submitter. Criteria: ACMG Guidelines, 2015. Collection method: clinical testing. Allele origin: germline. Inheritance: Autosomal dominant inheritance. Observed: 3 variant alleles, 3 heterozygotes.
Comment: This missense variant replaces valine with methionine at codon 364 of the TMEM43 protein. Computational prediction suggests that this variant may not impact protein structure and function (internally defined REVEL score threshold <= 0.5, PMID: 27666373). To our knowledge, functional studies have not been reported for this variant. This variant has been reported in an individual with normal cardiac MRI who had a family history of sudden cardiac death (PMID: 28087566). This variant has been identified in 2/251412 chromosomes in the general population by the Genome Aggregation Database (gnomAD). The available evidence is insufficient to determine the role of this variant in disease conclusively. Therefore, this variant is classified as a Variant of Uncertain Significance.

This study involves interpretation of variants in research participants for the purpose of population health screening. Participant phenotype was not available at the time of variant classification. Additional details can be found in publication PMID: 35346344, PMCID: PMC8962531

Color Diagnostics, LLC DBA Color Health
Classification: Uncertain significance for Cardiomyopathy. Last evaluated: 2023-11-15. Review status: criteria provided, single submitter. Criteria: ACMG Guidelines, 2015. Collection method: clinical testing. Allele origin: germline.
Comment: This missense variant replaces valine with methionine at codon 364 of the TMEM43 protein. Computational prediction suggests that this variant may not impact protein structure and function (internally defined REVEL score threshold <= 0.5, PMID: 27666373). To our knowledge, functional studies have not been reported for this variant. This variant has been reported in an individual with normal cardiac MRI who had a family history of sudden cardiac death (PMID: 28087566). This variant has been identified in 2/251412 chromosomes in the general population by the Genome Aggregation Database (gnomAD). The available evidence is insufficient to determine the role of this variant in disease conclusively. Therefore, this variant is classified as a Variant of Uncertain Significance.

Ambry Genetics
Classification: Uncertain significance for Cardiovascular phenotype. Last evaluated: 2018-12-26. Review status: criteria provided, single submitter. Criteria: Ambry Variant Classification Scheme 2023. Collection method: clinical testing. Allele origin: germline.
Comment: The p.V364M variant (also known as c.1090G>A), located in coding exon 12 of the TMEM43 gene, results from a G to A substitution at nucleotide position 1090. The valine at codon 364 is replaced by methionine, an amino acid with highly similar properties. This variant was identified in an individual with a normal cardiac MRI and a family history of sudden cardiac death (Seidelmann SB et al. Circ Cardiovasc Genet, 2017 Feb;10:). This amino acid position is not well conserved in available vertebrate species. In addition, this alteration is predicted to be tolerated by in silico analysis. Based on available evidence to date, the clinical significance of this alteration remains unclear.

Biesecker Lab/Clinical Genomics Section, National Institutes of Health
Classification: Uncertain significance. Last evaluated: 2013-06-24. Review status: criteria provided, single submitter. Criteria: Ng et al. (Circ Cardiovasc Genet. 2013). Collection method: research. Allele origin: unknown. Observed: 1 variant allele. Study: ClinSeq.
Comment: The study set was not selected for affection status in relation to any cancer. Pathogenicity categories were based on literature curation. See Pubmed ID:23861362 for details.

Medical sequencing

Literature cited by the submitters: PubMed 28087566 (cited by 3 submitters).

NM_024334.3(TMEM43):c.1090G>A (p.Val364Met)

Gene: TMEM43 (transmembrane protein 43; plus strand). Cytogenetic location: 3p25.1.
Variant type: single nucleotide variant.
Coding change: c.1090G>A on transcript NM_024334.3 (MANE Select); coding-DNA position 1090, G replaced by A.
Protein change: p.Val364Met; replaces valine 364 with methionine.
Molecular consequence: missense variant.
Genome position (GRCh38, 1-based): chr3:14,141,682, G>A. VCF-style: chr3-14141682-G-A. GRCh37 (hg19) VCF-style: chr3-14183182-G-A.
Other names: short protein forms V364M.
Identifiers: ClinVar variation 191785 (VCV000191785.16), dbSNP rs754236206, ClinGen allele CA024571.